The following is an entry in ClinVar:

ClinVar aggregate classification (germline): Pathogenic (1 of 4 stars; one submission).

Conditions:
Glycogen storage disease, type V (GSD5). Also called: MCARDLE DISEASE; MUSCLE GLYCOGEN PHOSPHORYLASE DEFICIENCY; MYOPHOSPHORYLASE DEFICIENCY; PYGM DEFICIENCY; McArdle type glycogen storage disease. Identifiers: Orphanet 368, MedGen C0017924, MONDO:0009293, OMIM 232600.

Submission:

Labcorp Genetics (formerly Invitae), Labcorp
Classification: Pathogenic for Glycogen storage disease, type V. Last evaluated: 2025-04-11. Review status: criteria provided, single submitter. Criteria: Invitae Variant Classification Sherloc (09022015). Collection method: clinical testing. Allele origin: germline.
Comment: This sequence change creates a premature translational stop signal (p.Ile459Thrfs*88) in the PYGM gene. It is expected to result in an absent or disrupted protein product. Loss-of-function variants in PYGM are known to be pathogenic (PMID: 8316268, 16786513). This variant is not present in population databases (gnomAD no frequency). This variant has not been reported in the literature in individuals affected with PYGM-related conditions. For these reasons, this variant has been classified as Pathogenic.

Literature cited by the submitters: PubMed 8316268; PubMed 16786513.

NM_005609.4(PYGM):c.1353_1375dup (p.Ile459fs)

Gene: PYGM (glycogen phosphorylase, muscle associated; minus strand). Cytogenetic location: 11q13.1.
Variant type: Duplication.
Coding change: c.1353_1375dup on transcript NM_005609.4 (MANE Select); coding-DNA positions 1353 to 1375, 23 bases duplicated (CGCCGTCAACGGCGTGGCGCGCA).
Protein change: p.Ile459fs; shifts the reading frame from isoleucine 459.
Molecular consequence: frameshift variant.
Genome position (GRCh38, 1-based): chr11:64,753,547-64,753,569, TGCGCGCCACGCCGTTGACGGCG duplicated on the plus strand (CGCCGTCAACGGCGTGGCGCGCA on the coding strand, the reverse complement: PYGM is on the minus strand); duplicating any 23 consecutive bases within chr11:64,753,547-64,753,573 gives the same sequence; the c. name uses the placement nearest the transcript's 3' end. VCF-style (leftmost placement, unchanged base first): chr11-64753546-A-ATGCGCGCCACGCCGTTGACGGCG. GRCh37 (hg19) VCF-style: chr11-64521018-A-ATGCGCGCCACGCCGTTGACGGCG.
Other names: c.1089_1111dup, p.Ile371fs (NM_001164716.1); short protein forms I459fs, I371fs.
Identifiers: ClinVar variation 4777994 (VCV004777994.1).